The following is an entry in ClinVar:

NM_001374828.1(ARID1B):c.4232-1G>A

Gene: ARID1B (AT-rich interaction domain 1B; plus strand). Cytogenetic location: 6q25.3.
Variant type: single nucleotide variant.
Coding change: c.4232-1G>A on transcript NM_001374828.1 (MANE Select); the canonical splice acceptor site of the intron before coding-DNA position 4232, G replaced by A.
Molecular consequence: splice acceptor variant.
Genome position (GRCh38, 1-based): chr6:157,196,164, G>A. VCF-style: chr6-157196164-G-A. GRCh37 (hg19) VCF-style: chr6-157517298-G-A.
Other names: c.4112-1G>A (NM_001371656.1, NM_001374820.1); c.4073-1G>A (NM_017519.3); c.1733-1G>A (NM_001363725.2).
Identifiers: ClinVar variation 2431440 (VCV002431440.1), dbSNP rs2128355925, ClinGen allele CA366237824.
Genomic context (GRCh38, chr6:157,196,164, plus strand): 5'-TGGATGGGCCTTTGACTTTCAGAAATGCCTAAATGTATGCATTTTATTTAAAATATTGCA[G>A]TGCCTGGAAGCAGCGAGCCCTTTATGACGCAAGGACAGATGCCCAACAGCAGCATGCAGG-3'

ClinVar aggregate classification (germline): Likely pathogenic (1 of 4 stars; one submission).

Conditions:
Coffin-Siris syndrome 1 (CSS1). Also called: Mental retardation, autosomal dominant 12; ARID1B-Related Coffin-Siris Syndrome. Identifiers: Orphanet 1465, MedGen C3281201, MONDO:0007617, OMIM 135900. Disease mechanism: gain of function.

Submission:

Laboratorio de Genetica e Diagnostico Molecular, Hospital Israelita Albert Einstein
Classification: Likely pathogenic for Coffin-Siris syndrome 1. Last evaluated: 2022-06-03. Review status: criteria provided, single submitter. Criteria: ACMG Guidelines, 2015. Collection method: clinical testing. Allele origin: germline. Affected: yes. Observed: 1 variant allele.
Comment: ACMG classification criteria: PVS1 very strong, PM2 moderated